The following is an entry in ClinVar:

ClinVar aggregate classification (germline): Likely benign. Review status: criteria provided, multiple submitters, no conflicts (2 of 4 stars). 2 submissions from 2 submitters: Likely benign (2). Last evaluated 2024-10-30.

Allele frequency attached by ClinVar (database versions not stated): gnomAD 0.00001; gnomAD exomes 0.00001; TOPMed 0.00002.
gnomAD v4.1: 17 of 1,613,056 alleles (0.0011%); highest among the groups gnomAD compares: Admixed American, 0.0017%; no homozygotes.

Submissions (2):

Women's Health and Genetics/Laboratory Corporation of America, LabCorp
Classification: Likely benign. Last evaluated: 2024-10-30. Review status: criteria provided, single submitter. Criteria: LabCorp Variant Classification Summary - May 2015. Collection method: clinical testing. Allele origin: germline.
Comment: Variant summary: MTOR c.5131-14T>C alters a non-conserved nucleotide located at a position not widely known to affect splicing. Consensus agreement among computation tools predict no significant impact on normal splicing. However, these predictions have yet to be confirmed by functional studies. The variant was absent in 250988 control chromosomes. The available data on variant occurrences in the general population are insufficient to allow any conclusion about variant significance. To our knowledge, no occurrence of c.5131-14T>C in individuals affected with Smith-Kingsmore Syndrome and no experimental evidence demonstrating its impact on protein function have been reported. ClinVar contains an entry for this variant (Variation ID: 2743931). Based on the evidence outlined above, the variant was classified as likely benign.

Labcorp Genetics (formerly Invitae), Labcorp
Classification: Likely benign. Last evaluated: 2024-08-13. Review status: criteria provided, single submitter. Criteria: Invitae Variant Classification Sherloc (09022015). Collection method: clinical testing. Allele origin: germline.

NM_004958.4(MTOR):c.5131-14T>C

Gene: MTOR (mechanistic target of rapamycin kinase; minus strand). Cytogenetic location: 1p36.22.
Variant type: single nucleotide variant.
Coding change: c.5131-14T>C on transcript NM_004958.4 (MANE Select); 14 bases into the intron before coding-DNA position 5131, T replaced by C.
Molecular consequence: intron variant.
Genome position (GRCh38, 1-based): chr1:11,134,480, A>G on the plus strand (T>C on the coding strand, the complement: MTOR is on the minus strand). VCF-style: chr1-11134480-A-G. GRCh37 (hg19) VCF-style: chr1-11194537-A-G.
Other names: c.3883-14T>C (NM_001386501.1); c.5131-14T>C (NM_001386500.1).
Identifiers: ClinVar variation 2743931 (VCV002743931.4), dbSNP rs1232034808, ClinGen allele CA885512904.